The following is an entry in ClinVar:

ClinVar aggregate classification (germline): Uncertain significance. Review status: criteria provided, multiple submitters, no conflicts (2 of 4 stars). 2 submissions from 2 submitters: Uncertain significance (2). Last evaluated 2024-10-30.

Conditions:
Cardiovascular phenotype. Identifiers: MedGen CN230736.
Dilated cardiomyopathy 1O (CMD1O). Also called: CARDIOMYOPATHY, DILATED, WITH VENTRICULAR TACHYCARDIA. Identifiers: Orphanet 154, MedGen C1837839, MONDO:0012062, OMIM 608569.

Allele frequency attached by ClinVar (database versions not stated): gnomAD 0.00001; TOPMed 0.00001.
gnomAD v4.1: 8 of 1,612,326 alleles (0.0005%); highest among the groups gnomAD compares: Non-Finnish European, 0.00068%; no homozygotes.

Submissions (2):

Labcorp Genetics (formerly Invitae), Labcorp
Classification: Uncertain significance for Dilated cardiomyopathy 1O. Last evaluated: 2024-10-30. Review status: criteria provided, single submitter. Criteria: Invitae Variant Classification Sherloc (09022015). Collection method: clinical testing. Allele origin: germline.
Comment: This sequence change falls in intron 31 of the ABCC9 gene. It does not directly change the encoded amino acid sequence of the ABCC9 protein. It affects a nucleotide within the consensus splice site. This variant is present in population databases (rs762931725, gnomAD 0.002%). This variant has not been reported in the literature in individuals affected with ABCC9-related conditions. ClinVar contains an entry for this variant (Variation ID: 410820). Variants that disrupt the consensus splice site are a relatively common cause of aberrant splicing (PMID: 17576681, 9536098). Algorithms developed to predict the effect of sequence changes on RNA splicing suggest that this variant is not likely to affect RNA splicing. In summary, the available evidence is currently insufficient to determine the role of this variant in disease. Therefore, it has been classified as a Variant of Uncertain Significance.

Ambry Genetics
Classification: Uncertain significance for Cardiovascular phenotype. Last evaluated: 2023-06-16. Review status: criteria provided, single submitter. Criteria: Ambry Variant Classification Scheme 2023. Collection method: clinical testing. Allele origin: germline.
Comment: The c.3893-3C>T intronic variant results from a C to T substitution 3 nucleotides upstream from coding exon 32 in the ABCC9 gene. This nucleotide position is well conserved in available vertebrate species. In silico splice site analysis predicts that this alteration will not have any significant effect on splicing. Since supporting evidence is limited at this time, the clinical significance of this alteration remains unclear.

Literature cited by the submitters: PubMed 17576681 (cited by Labcorp Genetics (formerly Invitae), Labcorp); PubMed 9536098 (cited by Labcorp Genetics (formerly Invitae), Labcorp).

NM_020297.4(ABCC9):c.3893-3C>T

Genes: ABCC9 (ATP binding cassette subfamily C member 9; minus strand), KCNJ8-AS1 (KCNJ8 antisense RNA 1; plus strand). Cytogenetic location: 12p12.1.
Variant type: single nucleotide variant.
Coding change: c.3893-3C>T on transcript NM_020297.4 (MANE Select); 3 bases into the intron before coding-DNA position 3893, C replaced by T.
Molecular consequence: intron variant.
Genome position (GRCh38, 1-based): chr12:21,815,896, G>A on the plus strand (C>T on the coding strand, the complement: ABCC9 is on the minus strand). VCF-style: chr12-21815896-G-A. GRCh37 (hg19) VCF-style: chr12-21968830-G-A.
Other names: c.3893-3C>T (NM_005691.2, NM_005691.4, NM_001377273.1); c.3026-3C>T (NM_001377274.1).
Identifiers: ClinVar variation 410820 (VCV000410820.11), dbSNP rs762931725, ClinGen allele CA6480995.